The following is an entry in ClinVar:

NM_003322.6(TULP1):c.797G>T (p.Gly266Val)

Gene: TULP1 (TUB like protein 1; minus strand). Cytogenetic location: 6p21.31.
Variant type: single nucleotide variant.
Coding change: c.797G>T on transcript NM_003322.6 (MANE Select); coding-DNA position 797, G replaced by T.
Protein change: p.Gly266Val; replaces glycine 266 with valine.
Molecular consequence: missense variant.
Genome position (GRCh38, 1-based): chr6:35,509,234, C>A on the plus strand (G>T on the coding strand, the complement: TULP1 is on the minus strand). VCF-style: chr6-35509234-C-A. GRCh37 (hg19) VCF-style: chr6-35477011-C-A.
Other names: c.638G>T, p.Gly213Val (NM_001289395.2); c.797G>T (NM_003322.5); short protein forms G266V, G213V.
Identifiers: ClinVar variation 94128 (VCV000094128.61), dbSNP rs150480343, ClinGen allele CA221974.

ClinVar aggregate classification (germline): Conflicting classifications of pathogenicity. Review status: criteria provided, conflicting classifications (1 of 4 stars). 14 submissions from 13 submitters: Uncertain significance (10); Likely benign (1). 3 of the submissions do not count toward it. Last evaluated 2026-06-09.

Conditions:
TULP1-related disorder. Also called: TULP1-related condition; TULP1-related disorders.
Retinal dystrophy. Also called: Inherited retinal dystrophy. Identifiers: Orphanet 71862, MedGen C0854723, MeSH D058499, MONDO:0019118, HP:0000556.
Leber congenital amaurosis 15 (LCA15). Identifiers: Orphanet 65, MedGen C3151206, MONDO:0013457, OMIM 613843.
Retinitis pigmentosa 14 (RP14). Also called: RETINITIS PIGMENTOSA, JUVENILE, TULP1-RELATED. Identifiers: Orphanet 791, MedGen C1838603, MONDO:0010827, OMIM 600132.
Retinitis pigmentosa (RP). Identifiers: Orphanet 791, MedGen C0035334, MeSH D012174, MONDO:0019200, OMIM 268000. Inheritance: Autosomal dominant, autosomal recessive and X linked inheritance.

Allele frequency attached by ClinVar (database versions not stated): gnomAD 0.00111 and 0.00105; 1000 Genomes Project 30x 0.00016; 1000 Genomes Project 0.00020; gnomAD exomes 0.00070 and 0.00144; ESP Exome Variant Server 0.00131; ExAC 0.00077; TOPMed 0.00109.
gnomAD v4.1: 2,219 of 1,614,028 alleles (0.14%); highest among the groups gnomAD compares: Non-Finnish European, 0.18%; 2 homozygotes.

Submissions (14):

PreventionGenetics, part of Exact Sciences
Classification: Uncertain significance for TULP1-related condition. Last evaluated: 2026-06-09. Review status: criteria provided, single submitter. Criteria: ACMG Guidelines, 2015. Collection method: clinical testing. Allele origin: germline.
Comment: The TULP1 c.797G>T variant is predicted to result in the amino acid substitution p.Gly266Val. This variant was reported, in the heterozygous state along with a second nonsense variant in the same gene, in an individual with retinal disease (Bodenbender et al. 2023. PubMed ID: 36769033), and was also reported in a large cohort of individuals with retinal disease (supplementary data, Diñeiro et al. 2020. PubMed ID: 32483926). However, this variant is reported in 0.14% of alleles in individuals of European (Non-Finnish) descent in gnomAD, which may be too frequent to be a primary cause of disease. Although we suspect that this variant may be benign, at this time, the clinical significance of this variant is uncertain due to the absence of conclusive functional and genetic evidence.

GeneDx
Classification: Uncertain significance. Last evaluated: 2025-11-16. Review status: criteria provided, single submitter. Criteria: GeneDx Variant Classification Process June 2021. Collection method: clinical testing. Allele origin: germline. Affected: yes.
Comment: In silico analysis supports that this missense variant has a deleterious effect on protein structure/function; In silico analysis supports a deleterious effect on splicing; This variant is associated with the following publications: (PMID: 36769033, 38450199, 32483926)

Blueprint Genetics
Classification: Likely benign. Last evaluated: 2024-11-18. Review status: criteria provided, single submitter. Criteria: ACMG Guidelines, 2015. Collection method: clinical testing. Allele origin: germline.

Fulgent Genetics
Classification: Uncertain significance for Retinitis pigmentosa 14; Leber congenital amaurosis 15. Last evaluated: 2024-02-26. Review status: criteria provided, single submitter. Criteria: ACMG Guidelines, 2015. Collection method: clinical testing. Allele origin: germline.

ARUP Laboratories, Molecular Genetics and Genomics, ARUP Laboratories
Classification: Uncertain significance. Last evaluated: 2023-10-14. Review status: criteria provided, single submitter. Criteria: ARUP Molecular Germline Variant Investigation Process 2024. Collection method: clinical testing. Allele origin: germline.

Institute of Human Genetics, Univ. Regensburg, Univ. Regensburg
Classification: Uncertain significance for Retinal dystrophy. Last evaluated: 2023-01-01. Review status: criteria provided, single submitter. Criteria: ACMG Guidelines, 2015. Collection method: clinical testing. Allele origin: germline. Affected: yes.

Labcorp Genetics (formerly Invitae), Labcorp
Classification: Uncertain significance. Last evaluated: 2022-10-18. Review status: criteria provided, single submitter. Criteria: Invitae Variant Classification Sherloc (09022015). Collection method: clinical testing. Allele origin: germline.
Comment: This sequence change replaces glycine, which is neutral and non-polar, with valine, which is neutral and non-polar, at codon 266 of the TULP1 protein (p.Gly266Val). This variant is present in population databases (rs150480343, gnomAD 0.1%), and has an allele count higher than expected for a pathogenic variant. This variant has not been reported in the literature in individuals affected with TULP1-related conditions. ClinVar contains an entry for this variant (Variation ID: 94128). Advanced modeling of protein sequence and biophysical properties (such as structural, functional, and spatial information, amino acid conservation, physicochemical variation, residue mobility, and thermodynamic stability) has been performed at Invitae for this missense variant, however the output from this modeling did not meet the statistical confidence thresholds required to predict the impact of this variant on TULP1 protein function. Algorithms developed to predict the effect of sequence changes on RNA splicing suggest that this variant may create or strengthen a splice site. In summary, the available evidence is currently insufficient to determine the role of this variant in disease. Therefore, it has been classified as a Variant of Uncertain Significance.

CeGaT Center for Human Genetics Tuebingen
Classification: Uncertain significance. Last evaluated: 2019-02-01. Review status: criteria provided, single submitter. Criteria: CeGaT Center For Human Genetics Tuebingen Variant Classification Criteria Version 2. Collection method: clinical testing. Allele origin: germline. Affected: yes. Observed: 1 variant allele.

Illumina Laboratory Services, Illumina
Classification: Uncertain significance for Leber congenital amaurosis 15. Last evaluated: 2018-01-13. Review status: criteria provided, single submitter. Criteria: ICSL Variant Classification Criteria 13 December 2019. Collection method: clinical testing. Allele origin: germline.

Illumina Laboratory Services, Illumina
Classification: Uncertain significance for Retinitis pigmentosa. Last evaluated: 2018-01-13. Review status: criteria provided, single submitter. Criteria: ICSL Variant Classification Criteria 13 December 2019. Collection method: clinical testing. Allele origin: germline.

Eurofins Ntd Llc (ga)
Classification: Uncertain significance. Last evaluated: 2016-09-20. Review status: criteria provided, single submitter. Criteria: EGL Classification Definitions 2015. Collection method: clinical testing. Allele origin: germline. Observed: 2 variant alleles, 2 heterozygotes.

Clinical Genetics DNA and cytogenetics Diagnostics Lab, Erasmus MC, Erasmus Medical Center
Classification: Uncertain significance. Review status: no assertion criteria provided. Collection method: clinical testing. Allele origin: germline. Affected: yes. Study: VKGL Data-share Consensus. Not counted in ClinVar's aggregate classification.

Clinical Genetics, Academic Medical Center
Classification: Uncertain significance. Review status: no assertion criteria provided. Collection method: clinical testing. Allele origin: germline. Affected: yes. Study: VKGL Data-share Consensus. Not counted in ClinVar's aggregate classification.

Joint Genome Diagnostic Labs from Nijmegen and Maastricht, Radboudumc and MUMC+
Classification: Uncertain significance. Review status: no assertion criteria provided. Collection method: clinical testing. Allele origin: germline. Affected: yes. Study: VKGL Data-share Consensus. Not counted in ClinVar's aggregate classification.

Literature cited by the submitters: PubMed 32483926 (cited by Institute of Human Genetics, Univ. Regensburg, Univ. Regensburg).